The following is an entry in ClinVar:

NM_005591.4(MRE11):c.734A>T (p.His245Leu)

Gene: MRE11 (MRE11 double strand break repair nuclease; minus strand). Cytogenetic location: 11q21.
Variant type: single nucleotide variant.
Coding change: c.734A>T on transcript NM_005591.4 (MANE Select); coding-DNA position 734, A replaced by T.
Protein change: p.His245Leu; replaces histidine 245 with leucine.
Molecular consequence: missense variant.
Genome position (GRCh38, 1-based): chr11:94,471,685, T>A on the plus strand (A>T on the coding strand, the complement: MRE11 is on the minus strand). VCF-style: chr11-94471685-T-A. GRCh37 (hg19) VCF-style: chr11-94204851-T-A.
Other names: c.734A>T, p.His245Leu (NM_001330347.2, NM_005590.4); short protein forms H245L.
Identifiers: ClinVar variation 534775 (VCV000534775.13), dbSNP rs1555013153, ClinGen allele CA382375797.

ClinVar aggregate classification (germline): Uncertain significance. Review status: criteria provided, multiple submitters, no conflicts (2 of 4 stars). 2 submissions from 2 submitters: Uncertain significance (2). Last evaluated 2022-07-11.

Conditions:
Hereditary cancer-predisposing syndrome. Also called: Neoplastic Syndromes, Hereditary; Tumor predisposition; Hereditary Cancer Syndrome; Hereditary neoplastic syndrome. Identifiers: Orphanet 140162, MedGen C0027672, MeSH D009386, MONDO:0015356.
Ataxia-telangiectasia-like disorder (ATLD). Identifiers: MedGen C1858391, MONDO:0011457.

Allele frequency attached by ClinVar (database versions not stated): gnomAD 0.00001.
gnomAD v4.1: 1 of 1,612,716 alleles (0.000062%); highest among the groups gnomAD compares: African/African-American, 0.0013%; no homozygotes.

Submissions (2):

Ambry Genetics
Classification: Uncertain significance for Hereditary cancer-predisposing syndrome. Last evaluated: 2022-07-11. Review status: criteria provided, single submitter. Criteria: Ambry Variant Classification Scheme 2023. Collection method: clinical testing. Allele origin: germline.
Comment: The p.H245L variant (also known as c.734A>T), located in coding exon 7 of the MRE11A gene, results from an A to T substitution at nucleotide position 734. The histidine at codon 245 is replaced by leucine, an amino acid with similar properties. This amino acid position is conserved. In addition, this alteration is predicted to be deleterious by in silico analysis. Since supporting evidence is limited at this time, the clinical significance of this alteration remains unclear.

Labcorp Genetics (formerly Invitae), Labcorp
Classification: Uncertain significance for Ataxia-telangiectasia-like disorder. Last evaluated: 2019-09-11. Review status: criteria provided, single submitter. Criteria: Invitae Variant Classification Sherloc (09022015). Collection method: clinical testing. Allele origin: germline.
Comment: This sequence change replaces histidine with leucine at codon 245 of the MRE11 protein (p.His245Leu). The histidine residue is highly conserved and there is a moderate physicochemical difference between histidine and leucine. This variant is not present in population databases (ExAC no frequency). In summary, the available evidence is currently insufficient to determine the role of this variant in disease. Therefore, it has been classified as a Variant of Uncertain Significance. Algorithms developed to predict the effect of missense changes on protein structure and function (SIFT, PolyPhen-2, Align-GVGD) all suggest that this variant is likely to be disruptive, but these predictions have not been confirmed by published functional studies and their clinical significance is uncertain. This variant has not been reported in the literature in individuals with MRE11-related disease.